The following is an entry in ClinVar:

ClinVar aggregate classification (germline): Benign/Likely benign. Review status: criteria provided, multiple submitters, no conflicts (2 of 4 stars). 7 submissions from 7 submitters: Benign (4); Likely benign (2). 1 of the submissions does not count toward it. Last evaluated 2026-05-01.

Conditions:
Inborn genetic diseases. Identifiers: MedGen C0950123, MeSH D030342.
ADNP-related multiple congenital anomalies - intellectual disability - autism spectrum disorder. Also called: Helsmoortel-Van der Aa Syndrome; ADNP-Related Helsmoortel-Van der Aa Syndrome. Identifiers: Orphanet 404448, MedGen C4014538, MONDO:0014379, OMIM 615873. Disease mechanism: loss of function.
ADNP-related disorder. Also called: ADNP-related condition.

Allele frequency attached by ClinVar (database versions not stated): gnomAD exomes 0.00088; ExAC 0.00119; gnomAD 0.00337 and 0.00359; TOPMed 0.00377; 1000 Genomes Project 30x 0.00406; ESP Exome Variant Server 0.00423; 1000 Genomes Project 0.00439.
gnomAD v4.1: 1,098 of 1,614,180 alleles (0.068%); highest among the groups gnomAD compares: African/African-American, 1.3%; 10 homozygotes.

Submissions (7):

CeGaT Center for Human Genetics Tuebingen
Classification: Likely benign. Last evaluated: 2026-05-01. Review status: criteria provided, single submitter. Criteria: CeGaT Center For Human Genetics Tuebingen Variant Classification Criteria Version 2. Collection method: clinical testing. Allele origin: germline. Affected: yes. Observed: 4 variant alleles.
Comment: ADNP: BP4, BS1

Labcorp Genetics (formerly Invitae), Labcorp
Classification: Benign. Last evaluated: 2026-01-12. Review status: criteria provided, single submitter. Criteria: Invitae Variant Classification Sherloc (09022015). Collection method: clinical testing. Allele origin: germline.

Blueprint Genetics
Classification: Likely benign. Last evaluated: 2024-11-26. Review status: criteria provided, single submitter. Criteria: ACMG Guidelines, 2015. Collection method: clinical testing. Allele origin: germline.

Genome-Nilou Lab
Classification: Benign for ADNP-related multiple congenital anomalies - intellectual disability - autism spectrum disorder. Last evaluated: 2021-12-05. Review status: criteria provided, single submitter. Criteria: ACMG Guidelines, 2015. Collection method: clinical testing. Allele origin: germline. Affected: no.

GeneDx
Classification: Benign. Last evaluated: 2021-01-11. Review status: criteria provided, single submitter. Criteria: GeneDx Variant Classification Process June 2021. Collection method: clinical testing. Allele origin: germline. Affected: yes.

Ambry Genetics
Classification: Benign for Inborn genetic diseases. Last evaluated: 2017-12-26. Review status: criteria provided, single submitter. Criteria: Ambry Variant Classification Scheme 2023. Collection method: clinical testing. Allele origin: germline.

PreventionGenetics, part of Exact Sciences
Classification: Benign for ADNP-related condition. Last evaluated: 2021-06-15. Review status: no assertion criteria provided. Collection method: clinical testing. Allele origin: germline. Not counted in ClinVar's aggregate classification.
Comment: This variant is classified as benign based on ACMG/AMP sequence variant interpretation guidelines (Richards et al. 2015 PMID: 25741868, with internal and published modifications).

NM_001282531.3(ADNP):c.2666G>C (p.Ser889Thr)

Gene: ADNP (activity dependent neuroprotector homeobox; minus strand). Cytogenetic location: 20q13.13.
Variant type: single nucleotide variant.
Coding change: c.2666G>C on transcript NM_001282531.3 (MANE Select); coding-DNA position 2666, G replaced by C.
Protein change: p.Ser889Thr; replaces serine 889 with threonine.
Molecular consequence: missense variant.
Genome position (GRCh38, 1-based): chr20:50,892,048, C>G on the plus strand (G>C on the coding strand, the complement: ADNP is on the minus strand). VCF-style: chr20-50892048-C-G. GRCh37 (hg19) VCF-style: chr20-49508585-C-G.
Other names: c.2666G>C, p.Ser889Thr (NM_001282532.2, NM_001347511.2, NM_015339.5 and 1 more transcripts); c.2666G>C (NM_001282531.2); short protein forms S889T.
Identifiers: ClinVar variation 588325 (VCV000588325.42), dbSNP rs34342624, ClinGen allele CA9908547.
Genomic context (GRCh38, chr20:50,892,048, plus strand): 5'-TCTGGGTTATCGTTAGAGATTTTAGGTTCAACTTCAAAAACAGGGTCAAAAGGGCTACCA[C>G]TTTCATTGGATTCTTCTTCCAAATTTTCAAAACTGTCTGAGGAACTGTCATCTTCCTTCC-3'
Protein context (NP_001269460.1, residues 879-899): FENLEEESNE[Ser889Thr]GSPFDPVFEV